The following is an entry in ClinVar:

ClinVar aggregate classification (germline): Likely pathogenic (1 of 4 stars; one submission).

Conditions:
Hereditary spastic paraplegia 31. Also called: SPASTIC PARAPLEGIA 31, AUTOSOMAL DOMINANT. Identifiers: Orphanet 101011, MedGen C1853247, MONDO:0012453, OMIM 610250.

Submission:

Clinical Genomics Laboratory, Washington University in St. Louis
Classification: Likely pathogenic for Hereditary spastic paraplegia 31. Last evaluated: 2024-09-09. Review status: criteria provided, single submitter. Criteria: ACMG Guidelines, 2015. Collection method: clinical testing. Allele origin: germline. Affected: yes.
Comment: The REEP1 c.58G>T (p.Ala20Ser) variant, also known as c.79G>T (p.Ala27Ser) on a NM_001164730.2 transcript, to our knowledge, has not been reported in the medical literature and is absent from the general population (gnomAD v.2.1.1), indicating it is not a common variant. The alanine at this position is highly conserved across REEP proteins and computational predictors indicate that the variant is damaging, evidence that may correlate with impact to REEP1 function. Additionally, other missense variants in the same codon, p.Ala20Pro and p.Ala20Glu, have been reported in affected individuals and are considered pathogenic or likely pathogenic (Kumar KR et al., PMID: 23812641; McCorquodale DS 3rd et al., PMID: 20718791; Morais S et al., PMID: 28832565; Züchner S et al., PMID: 16826527; Beetz et al., PMID: 18321925; Variation IDs: 1862, 424660). Based on available information and the ACMG/AMP guidelines for variant interpretation (Richards S et al., PMID: 25741868), this variant is classified as likely pathogenic.

NM_001371279.1(REEP1):c.58G>T (p.Ala20Ser)

Gene: REEP1 (receptor accessory protein 1; minus strand). Cytogenetic location: 2p11.2.
Variant type: single nucleotide variant.
Coding change: c.58G>T on transcript NM_001371279.1 (MANE Select); coding-DNA position 58, G replaced by T.
Protein change: p.Ala20Ser; replaces alanine 20 with serine.
Molecular consequence: missense variant. On other transcripts: intron variant (1).
Genome position (GRCh38, 1-based): chr2:86,282,217, C>A on the plus strand (G>T on the coding strand, the complement: REEP1 is on the minus strand). VCF-style: chr2-86282217-C-A. GRCh37 (hg19) VCF-style: chr2-86509340-C-A.
Other names: c.79G>T, p.Ala27Ser (NM_001164730.2); c.58G>T, p.Ala20Ser (NM_001164732.2, NM_001371280.1, NM_001410855.1 and 2 more transcripts); c.25-18176G>T (NM_001164731.2); short protein forms A20S, A27S.
Identifiers: ClinVar variation 3600533 (VCV003600533.1).